The following is an entry in ClinVar:

ClinVar aggregate classification (germline): Pathogenic (1 of 4 stars; one submission).

Conditions:
Hereditary cancer-predisposing syndrome. Also called: Tumor predisposition; Hereditary Cancer Syndrome; Hereditary neoplastic syndrome; Neoplastic Syndromes, Hereditary. Identifiers: Orphanet 140162, MedGen C0027672, MeSH D009386, MONDO:0015356.

Submission:

Ambry Genetics
Classification: Pathogenic for Hereditary cancer-predisposing syndrome. Last evaluated: 2023-09-07. Review status: criteria provided, single submitter. Criteria: Ambry Variant Classification Scheme 2023. Collection method: clinical testing. Allele origin: germline.
Comment: The c.2473dupA pathogenic mutation, located in coding exon 4 of the MSH6 gene, results from a duplication of A at nucleotide position 2473, causing a translational frameshift with a predicted alternate stop codon (p.I825Nfs*3). This alteration is expected to result in loss of function by premature protein truncation or nonsense-mediated mRNA decay. In addition, this variant is considered to be rare based on population cohorts in the Genome Aggregation Database (gnomAD). As such, this alteration is interpreted as a disease-causing mutation.

NM_000179.3(MSH6):c.2473dup (p.Ile825fs)

Gene: MSH6 (mutS homolog 6; plus strand). Cytogenetic location: 2p16.3.
Variant type: Duplication.
Coding change: c.2473dup on transcript NM_000179.3 (MANE Select); coding-DNA position 2473, one base duplicated (A; older notation c.2473dupA).
Protein change: p.Ile825fs; shifts the reading frame from isoleucine 825.
Molecular consequence: frameshift variant. On other transcripts: non-coding transcript variant (5), intron variant (3).
Genome position (GRCh38, 1-based): chr2:47,800,456, A duplicated; the last of 4 consecutive A bases (chr2:47,800,453-47,800,456); duplicating any one gives the same sequence. VCF-style (leftmost placement, unchanged base first): chr2-47800452-T-TA. GRCh37 (hg19) VCF-style: chr2-48027591-T-TA.
Other names: c.2083dup, p.Ile695fs (NM_001281492.2); c.1567dup, p.Ile523fs (NM_001281493.2, NM_001281494.2, NM_001406811.1 and 6 more transcripts); c.2569dup, p.Ile857fs (NM_001406795.1, NM_001406802.1); c.2473dup, p.Ile825fs (NM_001406796.1, NM_001406798.1, NM_001406800.1 and 2 more transcripts); c.2176dup, p.Ile726fs (NM_001406797.1, NM_001406801.1, NM_001406805.1 and 10 more transcripts); c.1948dup, p.Ile650fs (NM_001406799.1, NM_001406806.1, NM_001406807.1); c.2395dup, p.Ile799fs (NM_001406804.1); c.2479dup, p.Ile827fs (NM_001406813.1); and 5 more; short protein forms I523fs, I650fs, I726fs, I769fs, I857fs, I695fs, I799fs, I825fs.
Identifiers: ClinVar variation 2587361 (VCV002587361.2), dbSNP rs1669467747, ClinGen allele CA2582342391.